The following is an entry in ClinVar:

NM_001142800.2(EYS):c.8758C>A (p.Leu2920Ile)

Genes: EYS (EGF-like photoreceptor maintenance factor; minus strand), PHF3 (PHD finger protein 3; plus strand). Cytogenetic location: 6q12.
Variant type: single nucleotide variant.
Coding change: c.8758C>A on transcript NM_001142800.2 (MANE Select); coding-DNA position 8758, C replaced by A.
Protein change: p.Leu2920Ile; replaces leucine 2920 with isoleucine.
Molecular consequence: missense variant. On other transcripts: 3 prime UTR variant (5).
Genome position (GRCh38, 1-based): chr6:63,721,273, G>T on the plus strand (C>A on the coding strand, the complement: EYS is on the minus strand). VCF-style: chr6-63721273-G-T. GRCh37 (hg19) VCF-style: chr6-64431169-G-T.
Other names: c.*7565G>T (NM_001290259.2, NM_001370348.2, NM_001370349.2 and 2 more transcripts); c.8821C>A, p.Leu2941Ile (NM_001292009.2); short protein forms L2941I, L2920I.
Identifiers: ClinVar variation 2155460 (VCV002155460.3), dbSNP rs760453601, ClinGen allele CA3876695.

ClinVar aggregate classification (germline): Uncertain significance. Review status: criteria provided, multiple submitters, no conflicts (2 of 4 stars). 3 submissions from 3 submitters: Uncertain significance (3). Last evaluated 2026-03-18.

Conditions:
Inborn genetic diseases. Identifiers: MedGen C0950123, MeSH D030342.
EYS-related disorder. Also called: EYS-related condition.

Allele frequency attached by ClinVar (database versions not stated): gnomAD exomes 0.00001; ExAC 0.00004.
gnomAD v4.1: 4 of 1,551,930 alleles (0.00026%); highest among the groups gnomAD compares: South Asian, 0.0036%; no homozygotes.

Submissions (3):

PreventionGenetics, part of Exact Sciences
Classification: Uncertain significance for EYS-related condition. Last evaluated: 2026-03-18. Review status: criteria provided, single submitter. Criteria: ACMG Guidelines, 2015. Collection method: clinical testing. Allele origin: germline.
Comment: The EYS c.8758C>A variant is predicted to result in the amino acid substitution p.Leu2920Ile. To our knowledge, this variant has not been reported in the literature. This variant is reported in 0.0044% of alleles in individuals of South Asian descent in gnomAD. At this time, the clinical significance of this variant is uncertain due to the absence of conclusive functional and genetic evidence.

Ambry Genetics
Classification: Uncertain significance for Inborn genetic diseases. Last evaluated: 2024-03-28. Review status: criteria provided, single submitter. Criteria: Ambry Variant Classification Scheme 2023. Collection method: clinical testing. Allele origin: germline.

Labcorp Genetics (formerly Invitae), Labcorp
Classification: Uncertain significance. Last evaluated: 2022-02-05. Review status: criteria provided, single submitter. Criteria: Invitae Variant Classification Sherloc (09022015). Collection method: clinical testing. Allele origin: germline.
Comment: This sequence change replaces leucine, which is neutral and non-polar, with isoleucine, which is neutral and non-polar, at codon 2920 of the EYS protein (p.Leu2920Ile). This variant is present in population databases (rs760453601, gnomAD 0.004%). This variant has not been reported in the literature in individuals affected with EYS-related conditions. Algorithms developed to predict the effect of missense changes on protein structure and function (SIFT, PolyPhen-2, Align-GVGD) all suggest that this variant is likely to be tolerated. In summary, the available evidence is currently insufficient to determine the role of this variant in disease. Therefore, it has been classified as a Variant of Uncertain Significance.